The following is an entry in ClinVar:

NM_001111.5(ADAR):c.3433A>G (p.Thr1145Ala)

Gene: ADAR (adenosine deaminase RNA specific; minus strand). Cytogenetic location: 1q21.3.
Variant type: single nucleotide variant.
Coding change: c.3433A>G on transcript NM_001111.5 (MANE Select); coding-DNA position 3433, A replaced by G.
Protein change: p.Thr1145Ala; replaces threonine 1145 with alanine.
Molecular consequence: missense variant.
Genome position (GRCh38, 1-based): chr1:154,585,227, T>C on the plus strand (A>G on the coding strand, the complement: ADAR is on the minus strand). VCF-style: chr1-154585227-T-C. GRCh37 (hg19) VCF-style: chr1-154557703-T-C.
Other names: c.2548A>G, p.Thr850Ala (NM_001025107.3, NM_001193495.2, NM_001365046.1 and 2 more transcripts); c.3460A>G, p.Thr1154Ala (NM_001365045.1); c.2470A>G, p.Thr824Ala (NM_001365049.1); c.3355A>G, p.Thr1119Ala (NM_015840.4); c.3298A>G, p.Thr1100Ala (NM_015841.4); c.3433A>G (NM_001111.4); short protein forms T1100A, T1119A, T1145A, T1154A, T824A, T850A.
Identifiers: ClinVar variation 996946 (VCV000996946.6), dbSNP rs200084726, ClinGen allele CA30848818.

ClinVar aggregate classification (germline): Uncertain significance. Review status: criteria provided, multiple submitters, no conflicts (2 of 4 stars). 4 submissions from 4 submitters: Uncertain significance (4). Last evaluated 2025-12-02.

Conditions:
Aicardi-Goutieres syndrome 6 (AGS6). Identifiers: Orphanet 51, MedGen C3539013, MONDO:0014007, OMIM 615010.
Inborn genetic diseases. Identifiers: MedGen C0950123, MeSH D030342.
Symmetrical dyschromatosis of extremities (DSH). Also called: DYSCHROMATOSIS SYMMETRICA HEREDITARIA 1; RETICULATE ACROPIGMENTATION OF DOHI; SYMMETRIC DYSCHROMATOSIS OF THE EXTREMITIES; Dyschromatosis symmetrica hereditaria. Identifiers: Orphanet 41, MedGen C0406775, MONDO:0007483, OMIM 127400.

Allele frequency attached by ClinVar (database versions not stated): gnomAD 0.00001; gnomAD exomes 0.00001; TOPMed 0.00001.

Submissions (4):

Ambry Genetics
Classification: Uncertain significance for Inborn genetic diseases. Last evaluated: 2025-12-02. Review status: criteria provided, single submitter. Criteria: Ambry Variant Classification Scheme 2023. Collection method: clinical testing. Allele origin: germline.

Labcorp Genetics (formerly Invitae), Labcorp
Classification: Uncertain significance for Aicardi-Goutieres syndrome 6; Symmetrical dyschromatosis of extremities. Last evaluated: 2025-08-03. Review status: criteria provided, single submitter. Criteria: Invitae Variant Classification Sherloc (09022015). Collection method: clinical testing. Allele origin: germline.
Comment: This sequence change replaces threonine, which is neutral and polar, with alanine, which is neutral and non-polar, at codon 1145 of the ADAR protein (p.Thr1145Ala). This variant is present in population databases (rs200084726, gnomAD 0.007%). This variant has not been reported in the literature in individuals affected with ADAR-related conditions. ClinVar contains an entry for this variant (Variation ID: 996946). Invitae Evidence Modeling of protein sequence and biophysical properties (such as structural, functional, and spatial information, amino acid conservation, physicochemical variation, residue mobility, and thermodynamic stability) indicates that this missense variant is not expected to disrupt ADAR protein function with a negative predictive value of 80%. In summary, the available evidence is currently insufficient to determine the role of this variant in disease. Therefore, it has been classified as a Variant of Uncertain Significance.

GeneDx
Classification: Uncertain significance. Last evaluated: 2023-12-03. Review status: criteria provided, single submitter. Criteria: GeneDx Variant Classification Process June 2021. Collection method: clinical testing. Allele origin: germline. Affected: yes.
Comment: Not observed at significant frequency in large population cohorts (gnomAD); In silico analysis supports that this missense variant does not alter protein structure/function; Has not been previously published as pathogenic or benign to our knowledge

New York Genome Center
Classification: Uncertain significance for Aicardi-Goutieres syndrome 6. Last evaluated: 2020-06-18. Review status: criteria provided, single submitter. Criteria: NYGC Assertion Criteria 2020. Collection method: clinical testing. Allele origin: germline. Inheritance: Autosomal recessive inheritance. Observed: 1 heterozygote. Study: CSER-NYCKidSeq.